The following is an entry in ClinVar:

NM_002087.4(GRN):c.-8+5G>C

Gene: GRN (granulin precursor; plus strand). Cytogenetic location: 17q21.31.
Variant type: single nucleotide variant.
Coding change: c.-8+5G>C on transcript NM_002087.4 (MANE Select); 5 bases into the intron after 8 bases upstream of the start codon, G replaced by C.
Molecular consequence: intron variant.
Genome position (GRCh38, 1-based): chr17:44,345,339, G>C. VCF-style: chr17-44345339-G-C. GRCh37 (hg19) VCF-style: chr17-42422707-G-C.
Other names: IVS0DS, G-C, +5.
Identifiers: ClinVar variation 98119 (VCV000098119.6), dbSNP rs63750313, ClinGen allele CA225192.
Genomic context (GRCh38, chr17:44,345,339, plus strand): 5'-TGTAGTCTGAGCGCTACCCGGTTGCTGCTGCCCAAGGACCGCGGAGTCGGACGCAGGTAG[G>C]AGAGCGGCCGCGCAGACCTCTCGCCTGCTCCTGCCCAGGGGCCCGCCAGGGCCATGTGAG-3'

ClinVar aggregate classification (germline): Pathogenic. Review status: criteria provided, single submitter (1 of 4 stars). 4 submissions from 4 submitters: Pathogenic (1). 3 of the submissions do not count toward it. Last evaluated 2025-03-14.

Conditions:
GRN-related frontotemporal lobar degeneration with Tdp43 inclusions (FTD2). Also called: DEMENTIA, HEREDITARY DYSPHASIC DISINHIBITION; FRONTOTEMPORAL LOBAR DEGENERATION WITH UBIQUITIN-POSITIVE INCLUSIONS; FTLD-TDP, GRN-RELATED; FRONTOTEMPORAL DEMENTIA WITH TDP43 INCLUSIONS, GRN-RELATED; GRN Frontotemporal Dementia. Identifiers: Orphanet 100070, Orphanet 282, MedGen C1843792, MONDO:0011842, OMIM 607485. Disease mechanism: loss of function.

Submissions (4):

GeneDx
Classification: Pathogenic. Last evaluated: 2025-03-14. Review status: criteria provided, single submitter. Criteria: GeneDx Variant Classification Process June 2021. Collection method: clinical testing. Allele origin: germline. Affected: yes.
Comment: Reported as a common pathogenic variant in association with FTD among Belgian patients (PMID: 34620513, 16862115); RNA studies demonstrate a damaging effect: protein expression is decreased indicating the mutant transcript may be undergoing NMD (PMID: 16862115); Located in a regulatory region; In silico analysis supports a deleterious effect on splicing; No data available from control populations to assess the frequency of this variant; Also known as IVS1+5G>C and IVS0+5G>C; This variant is associated with the following publications: (PMID: 17923627, 37459659, 29370838, 34620513, 23338682, 16862115)

OMIM
Classification: Pathogenic for FRONTOTEMPORAL DEMENTIA 2. Last evaluated: 2007-10-01. Review status: no assertion criteria provided. Collection method: literature only. Allele origin: germline. Not counted in ClinVar's aggregate classification.

GeneReviews
No classification provided. Condition: GRN-related frontotemporal lobar degeneration with Tdp43 inclusions. Review status: no classification provided. Collection method: literature only. Allele origin: germline. Not counted in ClinVar's aggregate classification.

VIB  Department of Molecular Genetics, University of Antwerp
No classification provided. Review status: no classification provided. Collection method: not provided. Allele origin: unknown. Not counted in ClinVar's aggregate classification.

Literature cited by the submitters: PubMed 16495329 (cited by OMIM); PubMed 16862115 (cited by OMIM); PubMed 17923627 (cited by OMIM); PubMed 21482928 (cited by GeneReviews); PubMed 20301545 (cited by GeneReviews).